The following is an entry in ClinVar:

NM_015450.3(POT1):c.1570T>C (p.Trp524Arg)

Gene: POT1 (protection of telomeres 1; minus strand). Cytogenetic location: 7q31.33.
Variant type: single nucleotide variant.
Coding change: c.1570T>C on transcript NM_015450.3 (MANE Select); coding-DNA position 1570, T replaced by C.
Protein change: p.Trp524Arg; replaces tryptophan 524 with arginine.
Molecular consequence: missense variant. On other transcripts: non-coding transcript variant (2).
Genome position (GRCh38, 1-based): chr7:124,829,278, A>G on the plus strand (T>C on the coding strand, the complement: POT1 is on the minus strand). VCF-style: chr7-124829278-A-G. GRCh37 (hg19) VCF-style: chr7-124469332-A-G.
Other names: c.1177T>C, p.Trp393Arg (NM_001042594.2); short protein forms W393R, W524R.
Identifiers: ClinVar variation 3423128 (VCV003423128.1).

ClinVar aggregate classification (germline): Uncertain significance (1 of 4 stars; one submission).

Conditions:
Hereditary cancer-predisposing syndrome. Also called: Neoplastic Syndromes, Hereditary; Tumor predisposition; Hereditary Cancer Syndrome; Hereditary neoplastic syndrome. Identifiers: Orphanet 140162, MedGen C0027672, MeSH D009386, MONDO:0015356.

Submission:

Ambry Genetics
Classification: Uncertain significance for Hereditary cancer-predisposing syndrome. Last evaluated: 2024-09-13. Review status: criteria provided, single submitter. Criteria: Ambry Variant Classification Scheme 2023. Collection method: clinical testing. Allele origin: germline.
Comment: The p.W524R variant (also known as c.1570T>C), located in coding exon 12 of the POT1 gene, results from a T to C substitution at nucleotide position 1570. The tryptophan at codon 524 is replaced by arginine, an amino acid with dissimilar properties. This amino acid position is conserved. In addition, the in silico prediction for this alteration is inconclusive. Based on the available evidence, the clinical significance of this variant remains unclear.